The following is an entry in ClinVar:

ClinVar aggregate classification (germline): Conflicting classifications of pathogenicity. Review status: criteria provided, conflicting classifications (1 of 4 stars). 6 submissions from 6 submitters: Uncertain significance (5); Likely benign (1). Last evaluated 2026-03-25.

Conditions:
Ehlers-Danlos syndrome, classic type, 1 (EDSCL1). Also called: Ehlers-Danlos Syndrome, Classic Type, COL5A1-Related; EDS I; Ehlers-Danlos syndrome, type 1; EHLERS-DANLOS SYNDROME, GRAVIS TYPE; EHLERS-DANLOS SYNDROME, SEVERE CLASSIC TYPE. Identifiers: MedGen C0268335, MONDO:0019567, OMIM 130000.
Familial thoracic aortic aneurysm and aortic dissection (TAAD). Also called: Thoracic aortic aneurysms and dissections. Identifiers: Orphanet 91387, MedGen C4707243, MONDO:0019625.

Allele frequency attached by ClinVar (database versions not stated): gnomAD 0.00004 and 0.00005; TOPMed 0.00009; ESP Exome Variant Server 0.00025; gnomAD exomes 0.00003; ExAC 0.00010.
gnomAD v4.1: 85 of 1,549,480 alleles (0.0055%); highest among the groups gnomAD compares: African/African-American, 0.012%; no homozygotes.

Submissions (6):

Women's Health and Genetics/Laboratory Corporation of America, LabCorp
Classification: Likely benign. Last evaluated: 2026-03-25. Review status: criteria provided, single submitter. Criteria: LabCorp Variant Classification Summary - May 2015. Collection method: clinical testing. Allele origin: germline.
Comment: Variant summary: COL5A2 c.3038C>T (p.Ala1013Val) results in a non-conservative amino acid change in the encoded protein sequence near a canonical splice site. Algorithms developed to predict the effect of missense changes on protein structure and function all suggest that this variant is likely to be disruptive. Several computational tools predict a significant impact on normal splicing: Three predict the variant weakens a 5' donor site. Two predict the variant has no significant impact on splicing. However, these predictions have yet to be confirmed by functional studies. The variant allele was found at a frequency of 5.5e-05 in 1549480 control chromosomes. The observed variant frequency exceeds the estimated maximal expected allele frequency for disease-causing variants in COL5A2. c.3038C>T has been observed in an individual affected with idiopathic scoliosis (Haller_2016) and in at least one individual from a cohort of probands affected with familial ischemic or hemorrhagic stroke (Chang_2023). These reports do not provide unequivocal conclusions about association of the variant with Ehlers-Danlos syndrome. To our knowledge, no experimental evidence demonstrating an impact on protein function has been reported. The following publications have been ascertained in the context of this evaluation (PMID: 36580209, 26566670). ClinVar contains an entry for this variant (Variation ID: 576774). Based on the evidence outlined above, the variant was classified as likely benign.

Labcorp Genetics (formerly Invitae), Labcorp
Classification: Uncertain significance for Ehlers-Danlos syndrome, classic type, 1. Last evaluated: 2026-02-02. Review status: criteria provided, single submitter. Criteria: Invitae Variant Classification Sherloc (09022015). Collection method: clinical testing. Allele origin: germline.
Comment: This sequence change replaces alanine, which is neutral and non-polar, with valine, which is neutral and non-polar, at codon 1013 of the COL5A2 protein (p.Ala1013Val). The frequency data for this variant in the population databases is considered unreliable, as metrics indicate poor data quality at this position in the gnomAD database. This missense change has been observed in individual(s) with familial ischemic or hemorrhagic stroke (PMID: 36580209). ClinVar contains an entry for this variant (Variation ID: 576774). Experimental studies and prediction algorithms are not available or were not evaluated, and the functional significance of this variant is currently unknown. In summary, the available evidence is currently insufficient to determine the role of this variant in disease. Therefore, it has been classified as a Variant of Uncertain Significance.

Ambry Genetics
Classification: Uncertain significance for Familial thoracic aortic aneurysm and aortic dissection. Last evaluated: 2025-02-03. Review status: criteria provided, single submitter. Criteria: Ambry Variant Classification Scheme 2023. Collection method: clinical testing. Allele origin: germline.
Comment: The p.A1013V variant (also known as c.3038C>T), located in coding exon 43 of the COL5A2 gene, results from a C to T substitution at nucleotide position 3038. The alanine at codon 1013 is replaced by valine, an amino acid with similar properties. This variant has been reported in a scoliosis cohort and a stroke cohort (Haller G et al. Hum Mol Genet, 2016 Jan;25:202-9; Chang LH et al. Cell Mol Neurobiol, 2023 Aug;43:2769-2783). This amino acid position is well conserved in available vertebrate species. In addition, the in silico prediction for this alteration is inconclusive. Based on the available evidence, the clinical significance of this variant remains unclear.

Mayo Clinic Laboratories, Mayo Clinic
Classification: Uncertain significance. Last evaluated: 2023-03-14. Review status: criteria provided, single submitter. Criteria: ACMG Guidelines, 2015. Collection method: clinical testing. Allele origin: germline. Observed: 1 variant allele.
Comment: BS1

GeneDx
Classification: Uncertain significance. Last evaluated: 2022-03-09. Review status: criteria provided, single submitter. Criteria: GeneDx Variant Classification Process June 2021. Collection method: clinical testing. Allele origin: germline. Affected: yes.
Comment: Has not been previously published as pathogenic or benign to our knowledge; Not observed at significant frequency in large population cohorts (gnomAD); In silico analysis supports that this missense variant does not alter protein structure/function

ARUP Laboratories, Molecular Genetics and Genomics, ARUP Laboratories
Classification: Uncertain significance. Last evaluated: 2017-11-13. Review status: criteria provided, single submitter. Criteria: ARUP Molecular Germline Variant Investigation Process. Collection method: clinical testing. Allele origin: germline.
Comment: One variant of uncertain clinical significance, c.3038C>T; p.Ala1013Val, was detected in the COL5A2 gene by massively parallel sequencing and confirmed by Sanger sequencing. The p.Ala1013Val (rs372220538) is listed in the Exome Aggregation Consortium Browser with an overall allele frequency of 0.01 percent (identified in 2 out of 20,648 chromosomes) and with frequency of 0.07 percent (identified in 2 out of 2726 chromosomes) in African populations. This variant has not been previously reported in the scientific literature or gene-specific variant databases. The alanine 1013 is highly conserved up to Xenopus tropicalis but computational prediction programs do not agree in assessing the effect of this variant (SIFT: tolerated, PolyPhen-2: benign, and MutationTaster: disease causing). p.Ala1013Val is not located in the triple helix domain and computational splice prediction programs do not suggest significant effect on splicing (Alamut software v.2.7.1).. Altogether, there is not enough information to classify this variant with certainty. Pathogenic COL5A2 variants are associated with Ehlers-Danlos syndrome, type I (MIM:130000).

Literature cited by the submitters: PubMed 26566670 (cited by Women's Health and Genetics/Laboratory Corporation of America, LabCorp and Ambry Genetics); PubMed 36580209 (cited by 3 submitters).

NM_000393.5(COL5A2):c.3038C>T (p.Ala1013Val)

Gene: COL5A2 (collagen type V alpha 2 chain; minus strand). Cytogenetic location: 2q32.2.
Variant type: single nucleotide variant.
Coding change: c.3038C>T on transcript NM_000393.5 (MANE Select); coding-DNA position 3038, C replaced by T.
Protein change: p.Ala1013Val; replaces alanine 1013 with valine.
Molecular consequence: missense variant.
Genome position (GRCh38, 1-based): chr2:189,050,570, G>A on the plus strand (C>T on the coding strand, the complement: COL5A2 is on the minus strand). VCF-style: chr2-189050570-G-A. GRCh37 (hg19) VCF-style: chr2-189915296-G-A.
Other names: short protein forms A1013V.
Identifiers: ClinVar variation 576774 (VCV000576774.22), dbSNP rs372220538, ClinGen allele CA2022136.
Genomic context (GRCh38, chr2:189,050,570, plus strand): 5'-TCTCTAAACAATTTGTATTGCACATATGAGATAAAATATTGACCGATGCAGCTACTCACC[G>A]CTGGGCCTGGTAGGCCGGGCATGCCTCTCTCTCCACGTTGCCCAGGCATGCCAACAATTC-3'
Protein context (NP_000384.2, residues 1003-1023): ERGMPGLPGP[Ala1013Val]GTPGKVGPTG